The following is an entry in ClinVar:

ClinVar aggregate classification (germline): Uncertain significance (1 of 4 stars; one submission).

Conditions:
Tuberous sclerosis 1 (TSC1). Identifiers: Orphanet 805, MedGen C1854465, MONDO:0008612, OMIM 191100.

Submission:

Labcorp Genetics (formerly Invitae), Labcorp
Classification: Uncertain significance for Tuberous sclerosis 1. Last evaluated: 2021-03-18. Review status: criteria provided, single submitter. Criteria: Invitae Variant Classification Sherloc (09022015). Collection method: clinical testing. Allele origin: germline.
Comment: In summary, the available evidence is currently insufficient to determine the role of this variant in disease. Therefore, it has been classified as a Variant of Uncertain Significance. Algorithms developed to predict the effect of missense changes on protein structure and function are either unavailable or do not agree on the potential impact of this missense change (SIFT: "Tolerated"; PolyPhen-2: "Possibly Damaging"; Align-GVGD: "Class C0"). This variant has not been reported in the literature in individuals with TSC1-related conditions. This variant is not present in population databases (ExAC no frequency). This sequence change replaces histidine with glutamine at codon 226 of the TSC1 protein (p.His226Gln). The histidine residue is moderately conserved and there is a small physicochemical difference between histidine and glutamine.

NM_000368.5(TSC1):c.678T>A (p.His226Gln)

Gene: TSC1 (TSC complex subunit 1; minus strand). Cytogenetic location: 9q34.13.
Variant type: single nucleotide variant.
Coding change: c.678T>A on transcript NM_000368.5 (MANE Select); coding-DNA position 678, T replaced by A.
Protein change: p.His226Gln; replaces histidine 226 with glutamine.
Molecular consequence: missense variant.
Genome position (GRCh38, 1-based): chr9:132,921,422, A>T on the plus strand (T>A on the coding strand, the complement: TSC1 is on the minus strand). VCF-style: chr9-132921422-A-T. GRCh37 (hg19) VCF-style: chr9-135796809-A-T.
Other names: c.678T>A, p.His226Gln (NM_001162426.2); c.525T>A, p.His175Gln (NM_001162427.2); c.315T>A, p.His105Gln (NM_001362177.2); short protein forms H226Q, H105Q, H175Q.
Identifiers: ClinVar variation 1517462 (VCV001517462.8), dbSNP rs2132137496, ClinGen allele CA375371471.